The following is an entry in ClinVar:

NM_001365536.1(SCN9A):c.1829C>T (p.Pro610Leu)

Genes: SCN1A-AS1 (SCN1A and SCN9A antisense RNA 1; plus strand), SCN9A (sodium voltage-gated channel alpha subunit 9; minus strand). Cytogenetic location: 2q24.3.
Variant type: single nucleotide variant.
Coding change: c.1829C>T on transcript NM_001365536.1 (MANE Select); coding-DNA position 1829, C replaced by T.
Protein change: p.Pro610Leu; replaces proline 610 with leucine.
Molecular consequence: missense variant.
Genome position (GRCh38, 1-based): chr2:166,284,598, G>A on the plus strand (C>T on the coding strand, the complement: SCN9A is on the minus strand). VCF-style: chr2-166284598-G-A. GRCh37 (hg19) VCF-style: chr2-167141108-G-A.
Other names: c.1829C>T, p.Pro610Leu (NM_002977.4); short protein forms P610L.
Identifiers: ClinVar variation 945129 (VCV000945129.10), dbSNP rs201499827, ClinGen allele CA59799457.

ClinVar aggregate classification (germline): Uncertain significance (1 of 4 stars; one submission).

Conditions:
Neuropathy, hereditary sensory and autonomic, type 2A (HSAN2A). Also called: HSAN IIA; MORVAN DISEASE; NEUROPATHY, CONGENITAL SENSORY; NEUROPATHY, HEREDITARY SENSORY RADICULAR, AUTOSOMAL RECESSIVE; NEUROPATHY, HEREDITARY SENSORY, TYPE IIA; NEUROPATHY, PROGRESSIVE SENSORY, OF CHILDREN. Identifiers: Orphanet 970, MedGen C2752089, MONDO:0024309, OMIM 201300.
Generalized epilepsy with febrile seizures plus, type 7 (GEFSP7). Also called: GEFS+, TYPE 7. Identifiers: Orphanet 36387, MedGen C2751778, MONDO:0013470, OMIM 613863.

Allele frequency attached by ClinVar (database versions not stated): gnomAD 0.00001; gnomAD exomes 0.00001.

Submission:

Labcorp Genetics (formerly Invitae), Labcorp
Classification: Uncertain significance for Neuropathy, hereditary sensory and autonomic, type 2A; Generalized epilepsy with febrile seizures plus, type 7. Last evaluated: 2025-03-16. Review status: criteria provided, single submitter. Criteria: Invitae Variant Classification Sherloc (09022015). Collection method: clinical testing. Allele origin: germline.
Comment: This sequence change replaces proline, which is neutral and non-polar, with leucine, which is neutral and non-polar, at codon 610 of the SCN9A protein (p.Pro610Leu). This variant is present in population databases (rs201499827, gnomAD 0.01%). This variant has not been reported in the literature in individuals affected with SCN9A-related conditions. ClinVar contains an entry for this variant (Variation ID: 945129). Invitae Evidence Modeling of protein sequence and biophysical properties (such as structural, functional, and spatial information, amino acid conservation, physicochemical variation, residue mobility, and thermodynamic stability) indicates that this missense variant is not expected to disrupt SCN9A protein function with a negative predictive value of 95%. In summary, the available evidence is currently insufficient to determine the role of this variant in disease. Therefore, it has been classified as a Variant of Uncertain Significance.